The following is an entry in ClinVar:

NM_002103.5(GYS1):c.2027_2028del (p.Asp676fs)

Gene: GYS1 (glycogen synthase 1; minus strand). Cytogenetic location: 19q13.33.
Variant type: Deletion.
Coding change: c.2027_2028del on transcript NM_002103.5 (MANE Select); coding-DNA positions 2027 to 2028, 2 bases deleted (AT; older notation c.2027_2028delAT).
Protein change: p.Asp676fs; shifts the reading frame from aspartic acid 676.
Molecular consequence: frameshift variant. On other transcripts: non-coding transcript variant (1).
Genome position (GRCh38, 1-based): chr19:48,969,474-48,969,475, AT deleted on the plus strand (AT on the coding strand, the reverse complement: GYS1 is on the minus strand). VCF-style (leftmost placement, unchanged base first): chr19-48969473-CAT-C. GRCh37 (hg19) VCF-style: chr19-49472730-CAT-C.
Other names: c.1835_1836del, p.Asp612fs (NM_001161587.2); short protein forms D676fs, D612fs.
Identifiers: ClinVar variation 1444034 (VCV001444034.3), dbSNP rs2038518269, ClinGen allele CA996659556.

ClinVar aggregate classification (germline): Uncertain significance (1 of 4 stars; one submission).

Conditions:
Glycogen storage disease due to muscle and heart glycogen synthase deficiency. Also called: GSD 0b; MUSCLE GLYCOGEN SYNTHASE DEFICIENCY. Identifiers: Orphanet 137625, MedGen C1969054, MONDO:0012693, OMIM 611556.

Allele frequency attached by ClinVar (database versions not stated): gnomAD exomes below 0.00001; gnomAD 0.00001.

Submission:

Labcorp Genetics (formerly Invitae), Labcorp
Classification: Uncertain significance for Glycogen storage disease due to muscle and heart glycogen synthase deficiency. Last evaluated: 2022-10-13. Review status: criteria provided, single submitter. Criteria: Invitae Variant Classification Sherloc (09022015). Collection method: clinical testing. Allele origin: germline.
Comment: This sequence change creates a premature translational stop signal (p.Asp676Glyfs*61) in the GYS1 gene. While this is not anticipated to result in nonsense mediated decay, it is expected to disrupt the last 62 amino acid(s) of the GYS1 protein. This variant is not present in population databases (gnomAD no frequency). This variant has not been reported in the literature in individuals affected with GYS1-related conditions. ClinVar contains an entry for this variant (Variation ID: 1444034). Experimental studies and prediction algorithms are not available or were not evaluated, and the functional significance of this variant is currently unknown. In summary, the available evidence is currently insufficient to determine the role of this variant in disease. Therefore, it has been classified as a Variant of Uncertain Significance.